The following is an entry in ClinVar:

NM_001010867.4(IBA57):c.970T>G (p.Ser324Ala)

Gene: IBA57 (iron-sulfur cluster assembly factor IBA57; plus strand). Cytogenetic location: 1q42.13.
Variant type: single nucleotide variant.
Coding change: c.970T>G on transcript NM_001010867.4 (MANE Select); coding-DNA position 970, T replaced by G.
Protein change: p.Ser324Ala; replaces serine 324 with alanine.
Molecular consequence: missense variant.
Genome position (GRCh38, 1-based): chr1:228,175,412, T>G. VCF-style: chr1-228175412-T-G. GRCh37 (hg19) VCF-style: chr1-228363113-T-G.
Other names: c.391T>G, p.Ser131Ala (NM_001310327.2); short protein forms S131A, S324A.
Identifiers: ClinVar variation 2095976 (VCV002095976.4), dbSNP rs2527921344, ClinGen allele CA345116965.

ClinVar aggregate classification (germline): Uncertain significance (1 of 4 stars; one submission).

Conditions:
Hereditary spastic paraplegia 74. Also called: Spastic paraplegia 74, autosomal recessive. Identifiers: Orphanet 468661, MedGen C5568837, MONDO:0014644, OMIM 616451.
Multiple mitochondrial dysfunctions syndrome 3 (MMDS3). Identifiers: Orphanet 363424, MedGen C3809165, MONDO:0014132, OMIM 615330.

Submission:

Labcorp Genetics (formerly Invitae), Labcorp
Classification: Uncertain significance for Multiple mitochondrial dysfunctions syndrome 3; Hereditary spastic paraplegia 74. Last evaluated: 2022-08-16. Review status: criteria provided, single submitter. Criteria: Invitae Variant Classification Sherloc (09022015). Collection method: clinical testing. Allele origin: germline.
Comment: This variant has not been reported in the literature in individuals affected with IBA57-related conditions. Algorithms developed to predict the effect of missense changes on protein structure and function output the following: SIFT: "Tolerated"; PolyPhen-2: "Benign"; Align-GVGD: "Class C0". The alanine amino acid residue is found in multiple mammalian species, which suggests that this missense change does not adversely affect protein function. In summary, the available evidence is currently insufficient to determine the role of this variant in disease. Therefore, it has been classified as a Variant of Uncertain Significance. This variant is not present in population databases (gnomAD no frequency). This sequence change replaces serine, which is neutral and polar, with alanine, which is neutral and non-polar, at codon 324 of the IBA57 protein (p.Ser324Ala).